The following is an entry in ClinVar:

ClinVar aggregate classification (germline): Uncertain significance (1 of 4 stars; one submission).

Submission:

GeneDx
Classification: Uncertain significance. Last evaluated: 2026-01-04. Review status: criteria provided, single submitter. Criteria: GeneDx Variant Classification Process June 2021. Collection method: clinical testing. Allele origin: germline.
Comment: Not observed at significant frequency in large population cohorts (gnomAD); In silico analysis suggests that this missense variant does not alter protein structure/function; Has not been previously published as pathogenic or benign to our knowledge

NM_005909.5(MAP1B):c.2659G>C (p.Gly887Arg)

Gene: MAP1B (microtubule associated protein 1B; plus strand). Cytogenetic location: 5q13.2.
Variant type: single nucleotide variant.
Coding change: c.2659G>C on transcript NM_005909.5 (MANE Select); coding-DNA position 2659, G replaced by C.
Protein change: p.Gly887Arg; replaces glycine 887 with arginine.
Molecular consequence: missense variant.
Genome position (GRCh38, 1-based): chr5:72,196,014, G>C. VCF-style: chr5-72196014-G-C. GRCh37 (hg19) VCF-style: chr5-71491841-G-C.
Other names: c.2281G>C, p.Gly761Arg (NM_001324255.2); short protein forms G761R, G887R.
Identifiers: ClinVar variation 4530001 (VCV004530001.2).